The following is an entry in ClinVar:

ClinVar aggregate classification (germline): Uncertain significance. Review status: criteria provided, multiple submitters, no conflicts (2 of 4 stars). 2 submissions from 2 submitters: Uncertain significance (2). Last evaluated 2024-06-03.

Allele frequency attached by ClinVar (database versions not stated): 1000 Genomes Project 30x 0.00047; gnomAD 0.00002; gnomAD exomes 0.00006.
gnomAD v4.1: 86 of 1,522,956 alleles (0.0056%); highest among the groups gnomAD compares: East Asian, 0.21%; no homozygotes.

Submissions (2):

Labcorp Genetics (formerly Invitae), Labcorp
Classification: Uncertain significance. Last evaluated: 2024-06-03. Review status: criteria provided, single submitter. Criteria: Invitae Variant Classification Sherloc (09022015). Collection method: clinical testing. Allele origin: germline.
Comment: This sequence change replaces serine, which is neutral and polar, with tryptophan, which is neutral and slightly polar, at codon 731 of the SYNPO protein (p.Ser731Trp). This variant is present in population databases (rs780952625, gnomAD 0.06%). This variant has not been reported in the literature in individuals affected with SYNPO-related conditions. ClinVar contains an entry for this variant (Variation ID: 2066492). An algorithm developed to predict the effect of missense changes on protein structure and function (PolyPhen-2) suggests that this variant is likely to be disruptive. In summary, the available evidence is currently insufficient to determine the role of this variant in disease. Therefore, it has been classified as a Variant of Uncertain Significance.

Ambry Genetics
Classification: Uncertain significance. Last evaluated: 2023-03-29. Review status: criteria provided, single submitter. Criteria: Ambry Variant Classification Scheme 2023. Collection method: clinical testing. Allele origin: germline.

NM_007286.6(SYNPO):c.2192C>G (p.Ser731Trp)

Genes: SYNPO (synaptopodin; plus strand), LOC129995010 (ATAC-STARR-seq lymphoblastoid silent region 16515; plus strand). Cytogenetic location: 5q33.1.
Variant type: single nucleotide variant.
Coding change: c.2192C>G on transcript NM_007286.6 (MANE Select); coding-DNA position 2192, C replaced by G.
Protein change: p.Ser731Trp; replaces serine 731 with tryptophan.
Molecular consequence: missense variant.
Genome position (GRCh38, 1-based): chr5:150,656,567, C>G. VCF-style: chr5-150656567-C-G. GRCh37 (hg19) VCF-style: chr5-150036129-C-G.
Other names: c.2192C>G (NM_007286.5); short protein forms S731W.
Identifiers: ClinVar variation 2066492 (VCV002066492.6), dbSNP rs780952625, ClinGen allele CA3513585.